The following is an entry in ClinVar:

ClinVar aggregate classification (germline): Uncertain significance. Review status: criteria provided, multiple submitters, no conflicts (2 of 4 stars). 3 submissions from 3 submitters: Uncertain significance (3). Last evaluated 2023-12-18.

Conditions:
Inborn genetic diseases. Identifiers: MedGen C0950123, MeSH D030342.

Allele frequency attached by ClinVar (database versions not stated): gnomAD exomes 0.00001.

Submissions (3):

Blueprint Genetics
Classification: Uncertain significance. Last evaluated: 2023-12-18. Review status: criteria provided, single submitter. Criteria: ACMG Guidelines, 2015. Collection method: clinical testing. Allele origin: germline.

Ambry Genetics
Classification: Uncertain significance for Inborn genetic diseases. Last evaluated: 2023-09-12. Review status: criteria provided, single submitter. Criteria: Ambry Variant Classification Scheme 2023. Collection method: clinical testing. Allele origin: germline.

Labcorp Genetics (formerly Invitae), Labcorp
Classification: Uncertain significance. Last evaluated: 2023-07-10. Review status: criteria provided, single submitter. Criteria: Invitae Variant Classification Sherloc (09022015). Collection method: clinical testing. Allele origin: germline.
Comment: This sequence change replaces proline, which is neutral and non-polar, with leucine, which is neutral and non-polar, at codon 276 of the TYMP protein (p.Pro276Leu). The frequency data for this variant in the population databases is considered unreliable, as metrics indicate poor data quality at this position in the gnomAD database. This variant has not been reported in the literature in individuals affected with TYMP-related conditions. ClinVar contains an entry for this variant (Variation ID: 2160281). Advanced modeling of protein sequence and biophysical properties (such as structural, functional, and spatial information, amino acid conservation, physicochemical variation, residue mobility, and thermodynamic stability) performed at Invitae indicates that this missense variant is expected to disrupt TYMP protein function. In summary, the available evidence is currently insufficient to determine the role of this variant in disease. Therefore, it has been classified as a Variant of Uncertain Significance.

NM_001953.5(TYMP):c.827C>T (p.Pro276Leu)

Gene: TYMP (thymidine phosphorylase; minus strand). Cytogenetic location: 22q13.33.
Variant type: single nucleotide variant.
Coding change: c.827C>T on transcript NM_001953.5 (MANE Select); coding-DNA position 827, C replaced by T.
Protein change: p.Pro276Leu; replaces proline 276 with leucine.
Molecular consequence: missense variant.
Genome position (GRCh38, 1-based): chr22:50,526,677, G>A on the plus strand (C>T on the coding strand, the complement: TYMP is on the minus strand). VCF-style: chr22-50526677-G-A. GRCh37 (hg19) VCF-style: chr22-50965106-G-A.
Other names: c.827C>T, p.Pro276Leu (NM_001113755.3, NM_001113756.3, NM_001257988.1 and 1 more transcripts); c.827C>T (NM_001953.3); short protein forms P276L.
Identifiers: ClinVar variation 2160281 (VCV002160281.7), dbSNP rs1253066888, ClinGen allele CA412199254.